The following is an entry in ClinVar:

NM_018089.3(ANKZF1):c.878C>T (p.Thr293Ile)

Gene: ANKZF1 (ankyrin repeat and zinc finger peptidyl tRNA hydrolase 1; plus strand). Cytogenetic location: 2q35.
Variant type: single nucleotide variant.
Coding change: c.878C>T on transcript NM_018089.3 (MANE Select); coding-DNA position 878, C replaced by T.
Protein change: p.Thr293Ile; replaces threonine 293 with isoleucine.
Molecular consequence: missense variant.
Genome position (GRCh38, 1-based): chr2:219,233,773, C>T. VCF-style: chr2-219233773-C-T. GRCh37 (hg19) VCF-style: chr2-220098495-C-T.
Other names: c.878C>T, p.Thr293Ile (NM_001042410.2); c.248C>T, p.Thr83Ile (NM_001282792.2); short protein forms T83I, T293I.
Identifiers: ClinVar variation 3685395 (VCV003685395.2).

ClinVar aggregate classification (germline): Uncertain significance (1 of 4 stars; one submission).

gnomAD v4.1: 3 of 1,614,102 alleles (0.00019%); highest among the groups gnomAD compares: Non-Finnish European, 0.00025%; no homozygotes.

Submission:

Labcorp Genetics (formerly Invitae), Labcorp
Classification: Uncertain significance. Last evaluated: 2024-06-28. Review status: criteria provided, single submitter. Criteria: Invitae Variant Classification Sherloc (09022015). Collection method: clinical testing. Allele origin: germline.
Comment: This sequence change replaces threonine, which is neutral and polar, with isoleucine, which is neutral and non-polar, at codon 293 of the ANKZF1 protein (p.Thr293Ile). This variant is not present in population databases (gnomAD no frequency). This variant has not been reported in the literature in individuals affected with ANKZF1-related conditions. Algorithms developed to predict the effect of missense changes on protein structure and function output the following: SIFT: "Not Available"; PolyPhen-2: "Benign"; Align-GVGD: "Not Available". The isoleucine amino acid residue is found in multiple mammalian species, which suggests that this missense change does not adversely affect protein function. In summary, the available evidence is currently insufficient to determine the role of this variant in disease. Therefore, it has been classified as a Variant of Uncertain Significance.